The following is an entry in ClinVar:

ClinVar aggregate classification (germline): Uncertain significance. Review status: criteria provided, multiple submitters, no conflicts (2 of 4 stars). 2 submissions from 2 submitters: Uncertain significance (2). Last evaluated 2025-11-24.

Conditions:
Inborn genetic diseases. Identifiers: MedGen C0950123, MeSH D030342.
Baller-Gerold syndrome (BGS). Also called: CRANIOSYNOSTOSIS WITH RADIAL DEFECTS. Identifiers: Orphanet 1225, MedGen C0265308, MONDO:0009039, OMIM 218600.

Allele frequency attached by ClinVar (database versions not stated): TOPMed below 0.00001.

Submissions (2):

Ambry Genetics
Classification: Uncertain significance for Inborn genetic diseases. Last evaluated: 2025-11-24. Review status: criteria provided, single submitter. Criteria: Ambry Variant Classification Scheme 2023. Collection method: clinical testing. Allele origin: germline.

Labcorp Genetics (formerly Invitae), Labcorp
Classification: Uncertain significance for Baller-Gerold syndrome. Last evaluated: 2025-04-13. Review status: criteria provided, single submitter. Criteria: Invitae Variant Classification Sherloc (09022015). Collection method: clinical testing. Allele origin: germline.
Comment: This sequence change replaces arginine, which is basic and polar, with serine, which is neutral and polar, at codon 559 of the RECQL4 protein (p.Arg559Ser). This variant is not present in population databases (gnomAD no frequency). This variant has not been reported in the literature in individuals affected with RECQL4-related conditions. ClinVar contains an entry for this variant (Variation ID: 663176). Invitae Evidence Modeling of protein sequence and biophysical properties (such as structural, functional, and spatial information, amino acid conservation, physicochemical variation, residue mobility, and thermodynamic stability) indicates that this missense variant is not expected to disrupt RECQL4 protein function with a negative predictive value of 80%. In summary, the available evidence is currently insufficient to determine the role of this variant in disease. Therefore, it has been classified as a Variant of Uncertain Significance.

NM_004260.4(RECQL4):c.1677G>C (p.Arg559Ser)

Gene: RECQL4 (RecQ like helicase 4; minus strand). Cytogenetic location: 8q24.3.
Variant type: single nucleotide variant.
Coding change: c.1677G>C on transcript NM_004260.4 (MANE Select); coding-DNA position 1677, G replaced by C.
Protein change: p.Arg559Ser; replaces arginine 559 with serine.
Molecular consequence: missense variant.
Genome position (GRCh38, 1-based): chr8:144,514,469, C>G on the plus strand (G>C on the coding strand, the complement: RECQL4 is on the minus strand). VCF-style: chr8-144514469-C-G. GRCh37 (hg19) VCF-style: chr8-145739853-C-G.
Other names: short protein forms R559S.
Identifiers: ClinVar variation 663176 (VCV000663176.7), dbSNP rs750667308, ClinGen allele CA372681658.